The following is an entry in ClinVar:

ClinVar aggregate classification (germline): Uncertain significance (1 of 4 stars; one submission).

Conditions:
Osteogenesis imperfecta type I (OI1). Also called: OI, TYPE I; OSTEOGENESIS IMPERFECTA TARDA; OSTEOGENESIS IMPERFECTA WITH BLUE SCLERAE; Osteogenesis imperfecta type 1; Classic Non-deforming Osteogenesis Imperfecta with Blue Sclerae; Lobstein's Disease. Identifiers: Orphanet 216796, Orphanet 666, MedGen C0023931, MONDO:0008146, OMIM 166200. Disease mechanism: loss of function.
Ehlers-Danlos syndrome, classic type, 1 (EDSCL1). Also called: EDS I; EHLERS-DANLOS SYNDROME, GRAVIS TYPE; EHLERS-DANLOS SYNDROME, SEVERE CLASSIC TYPE; Ehlers-Danlos Syndrome, Classic Type, COL5A1-Related; Ehlers-Danlos syndrome, type 1. Identifiers: MedGen C0268335, MONDO:0019567, OMIM 130000.

Submission:

Labcorp Genetics (formerly Invitae), Labcorp
Classification: Uncertain significance for Osteogenesis imperfecta type I; Ehlers-Danlos syndrome, classic type, 1. Last evaluated: 2024-10-08. Review status: criteria provided, single submitter. Criteria: Invitae Variant Classification Sherloc (09022015). Collection method: clinical testing. Allele origin: germline.
Comment: This sequence change falls in intron 32 of the COL1A2 gene. It does not directly change the encoded amino acid sequence of the COL1A2 protein. It affects a nucleotide within the consensus splice site. This variant is not present in population databases (gnomAD no frequency). This variant has not been reported in the literature in individuals affected with COL1A2-related conditions. ClinVar contains an entry for this variant (Variation ID: 643052). Variants that disrupt the consensus splice site are a relatively common cause of aberrant splicing (PMID: 17576681, 9536098). Algorithms developed to predict the effect of sequence changes on RNA splicing suggest that this variant is not likely to affect RNA splicing. In summary, the available evidence is currently insufficient to determine the role of this variant in disease. Therefore, it has been classified as a Variant of Uncertain Significance.

Literature cited by the submitters: PubMed 17576681; PubMed 9536098.

NM_000089.4(COL1A2):c.1971+3A>T

Gene: COL1A2 (collagen type I alpha 2 chain; plus strand). Cytogenetic location: 7q21.3.
Variant type: single nucleotide variant.
Coding change: c.1971+3A>T on transcript NM_000089.4 (MANE Select); 3 bases into the intron after coding-DNA position 1971, A replaced by T.
Molecular consequence: intron variant.
Genome position (GRCh38, 1-based): chr7:94,417,834, A>T. VCF-style: chr7-94417834-A-T. GRCh37 (hg19) VCF-style: chr7-94047146-A-T.
Identifiers: ClinVar variation 643052 (VCV000643052.10), dbSNP rs756587993, ClinGen allele CA915940423.